The following is an entry in ClinVar:

NM_001089.3(ABCA3):c.2340C>T (p.His780=)

Gene: ABCA3 (ATP binding cassette subfamily A member 3; minus strand). Cytogenetic location: 16p13.3.
Variant type: single nucleotide variant.
Coding change: c.2340C>T on transcript NM_001089.3 (MANE Select); coding-DNA position 2340, C replaced by T.
Protein change: p.His780=; no amino-acid change (histidine 780 retained).
Molecular consequence: synonymous variant.
Genome position (GRCh38, 1-based): chr16:2,295,664, G>A on the plus strand (C>T on the coding strand, the complement: ABCA3 is on the minus strand). VCF-style: chr16-2295664-G-A. GRCh37 (hg19) VCF-style: chr16-2345665-G-A.
Identifiers: ClinVar variation 596957 (VCV000596957.21), dbSNP rs45620539, ClinGen allele CA7840866.
Genomic context (GRCh38, chr16:2,295,664, plus strand): 5'-TCTGGGAAGGATGAAAGACAGCTCGGCCCCAGCGCTGCTCTCCAGCGTGGCGTTGGGCAC[G>A]TGGTGGTGGACCAGCTGGGAGATGTCTTCCGGGTTGCAGTGCGGCTCCTTCACCAGCGTC-3'
Protein context (NP_001080.2, residues 770-790): PEDISQLVHH[His780=]VPNATLESSA

ClinVar aggregate classification (germline): Conflicting classifications of pathogenicity. Review status: criteria provided, conflicting classifications (1 of 4 stars). 6 submissions from 6 submitters: Uncertain significance (2); Benign (1); Likely benign (3). Last evaluated 2026-01-28.

Conditions:
Interstitial lung disease due to ABCA3 deficiency. Also called: PULMONARY ALVEOLAR PROTEINOSIS, CONGENITAL, 3. Identifiers: Orphanet 440402, MedGen C1970456, MONDO:0012582, OMIM 610921.
Hereditary pulmonary alveolar proteinosis. Also called: Pulmonary surfactant metabolism dysfunction. Identifiers: Orphanet 264675, MedGen C3711368, MONDO:0012580.

Allele frequency attached by ClinVar (database versions not stated): gnomAD exomes 0.00049; ExAC 0.00053; 1000 Genomes Project 0.00140; gnomAD 0.00149 and 0.00160; ESP Exome Variant Server 0.00154; 1000 Genomes Project 30x 0.00156; TOPMed 0.00170.
gnomAD v4.1: 881 of 1,614,076 alleles (0.055%); highest among the groups gnomAD compares: African/African-American, 0.5%; 1 homozygote.

Submissions (6):

Labcorp Genetics (formerly Invitae), Labcorp
Classification: Benign. Last evaluated: 2026-01-28. Review status: criteria provided, single submitter. Criteria: Invitae Variant Classification Sherloc (09022015). Collection method: clinical testing. Allele origin: germline.

Blueprint Genetics
Classification: Likely benign. Last evaluated: 2024-10-09. Review status: criteria provided, single submitter. Criteria: ACMG Guidelines, 2015. Collection method: clinical testing. Allele origin: germline.

Ambry Genetics
Classification: Likely benign for Hereditary pulmonary alveolar proteinosis. Last evaluated: 2022-11-07. Review status: criteria provided, single submitter. Criteria: Ambry Variant Classification Scheme 2023. Collection method: clinical testing. Allele origin: germline.

Johns Hopkins Genomics, Johns Hopkins University
Classification: Uncertain significance for Interstitial lung disease due to ABCA3 deficiency. Last evaluated: 2019-01-30. Review status: criteria provided, single submitter. Criteria: ACMG Guidelines, 2015. Collection method: clinical testing. Allele origin: germline.
Comment: This ABCA3 variant (rs45620539) has been identified in large population datasets and the minor allele frequency is neither low enough to consider the variant rare (>0.1%) nor high enough to consider it a population polymorphism (>1%) within the African subpopulation (gnomAD: 115/24972 alleles; 0.46%, no homozygotes). This patient's ethnicity is not reported. A single submitter in ClinVar classifies this variant as uncertain clinical significance (Variation ID: 596957). This variant is reported to be present in one individual with neonatal respiratory distress syndrome (RDS) and absent in an individual without RDS. Bioinformatic analysis predicts that this synonymous variant would not affect normal exon 18 splicing, although this has not been confirmed experimentally to our knowledge. Due to insufficient evidence that this variant is deleterious, the clinical significance of c.2340C>T is uncertain at this time.

Eurofins Ntd Llc (ga)
Classification: Uncertain significance. Last evaluated: 2018-05-05. Review status: criteria provided, single submitter. Criteria: EGL ClinVar v180209 classification definitions. Collection method: clinical testing. Allele origin: germline. Observed: 1 variant allele, 1 heterozygote.

Illumina Laboratory Services, Illumina
Classification: Likely benign for Interstitial lung disease due to ABCA3 deficiency. Last evaluated: 2017-04-27. Review status: criteria provided, single submitter. Criteria: ICSL Variant Classification Criteria 13 December 2019. Collection method: clinical testing. Allele origin: germline.
Comment: This variant was observed as part of a predisposition screen in an ostensibly healthy population. A literature search was performed for the gene, cDNA change, and amino acid change (where applicable). No publications were found based on this search. Allele frequency data from public databases allowed determination this variant is unlikely to cause disease. Therefore, this variant is classified as likely benign.

Literature cited by the submitters: PubMed 24657120 (cited by Johns Hopkins Genomics, Johns Hopkins University).